The following is an entry in ClinVar:

ClinVar aggregate classification (germline): Conflicting classifications of pathogenicity. Review status: criteria provided, conflicting classifications (1 of 4 stars). 2 submissions from 2 submitters: Uncertain significance (1); Likely benign (1). Last evaluated 2026-04-03.

Conditions:
Inborn genetic diseases. Identifiers: MedGen C0950123, MeSH D030342.

gnomAD v4.1: 5 of 1,613,138 alleles (0.00031%); highest among the groups gnomAD compares: Admixed American, 0.0083%; no homozygotes.

Submissions (2):

GeneDx
Classification: Uncertain significance. Last evaluated: 2026-04-03. Review status: criteria provided, single submitter. Criteria: GeneDx Variant Classification Process June 2021. Collection method: clinical testing. Allele origin: germline.
Comment: In silico analysis suggests that this missense variant does not alter protein structure/function; Has not been previously published as pathogenic or benign to our knowledge

Ambry Genetics
Classification: Likely benign for Inborn genetic diseases. Last evaluated: 2025-06-30. Review status: criteria provided, single submitter. Criteria: Ambry Variant Classification Scheme 2023. Collection method: clinical testing. Allele origin: germline.

NM_198334.3(GANAB):c.2251G>A (p.Ala751Thr)

Gene: GANAB (glucosidase II alpha subunit; minus strand). Cytogenetic location: 11q12.3.
Variant type: single nucleotide variant.
Coding change: c.2251G>A on transcript NM_198334.3 (MANE Select); coding-DNA position 2251, G replaced by A.
Protein change: p.Ala751Thr; replaces alanine 751 with threonine.
Molecular consequence: missense variant.
Genome position (GRCh38, 1-based): chr11:62,627,119, C>T on the plus strand (G>A on the coding strand, the complement: GANAB is on the minus strand). VCF-style: chr11-62627119-C-T. GRCh37 (hg19) VCF-style: chr11-62394591-C-T.
Other names: c.1975G>A, p.Ala659Thr (NM_001278192.2); c.1909G>A, p.Ala637Thr (NM_001278193.2); c.1960G>A, p.Ala654Thr (NM_001278194.2, NM_001329222.2, NM_001329223.2); c.1528G>A, p.Ala510Thr (NM_001329224.2, NM_001329225.2); c.2317G>A, p.Ala773Thr (NM_198335.4); c.2317G>A (NM_198335.3); short protein forms A773T, A659T, A510T, A751T, A637T, A654T.
Identifiers: ClinVar variation 4261741 (VCV004261741.2).